The following is an entry in ClinVar:

ClinVar aggregate classification (germline): Conflicting classifications of pathogenicity. Review status: criteria provided, conflicting classifications (1 of 4 stars). 2 submissions from 2 submitters: Likely pathogenic (1); Uncertain significance (1). Last evaluated 2025-04-03.

Allele frequency attached by ClinVar (database versions not stated): gnomAD exomes below 0.00001; gnomAD 0.00001.
gnomAD v4.1: 3 of 1,613,828 alleles (0.00019%); highest among the groups gnomAD compares: Admixed American, 0.005%; no homozygotes.

Submissions (2):

GeneDx
Classification: Likely pathogenic. Last evaluated: 2025-04-03. Review status: criteria provided, single submitter. Criteria: GeneDx Variant Classification Process June 2021. Collection method: clinical testing. Allele origin: germline. Affected: yes.
Comment: Not observed at significant frequency in large population cohorts (gnomAD); In silico analysis indicates that this missense variant does not alter protein structure/function; Has not been previously published as pathogenic or benign to our knowledge

Mendelics
Classification: Uncertain significance. Last evaluated: 2022-05-04. Review status: criteria provided, single submitter. Criteria: Mendelics Assertion Criteria 2019. Collection method: clinical testing. Allele origin: germline.

NM_001360.3(DHCR7):c.889A>C (p.Ile297Leu)

Gene: DHCR7 (7-dehydrocholesterol reductase; minus strand). Cytogenetic location: 11q13.4.
Variant type: single nucleotide variant.
Coding change: c.889A>C on transcript NM_001360.3 (MANE Select); coding-DNA position 889, A replaced by C.
Protein change: p.Ile297Leu; replaces isoleucine 297 with leucine.
Molecular consequence: missense variant.
Genome position (GRCh38, 1-based): chr11:71,437,886, T>G on the plus strand (A>C on the coding strand, the complement: DHCR7 is on the minus strand). VCF-style: chr11-71437886-T-G. GRCh37 (hg19) VCF-style: chr11-71148932-T-G.
Other names: c.889A>C, p.Ile297Leu (NM_001163817.2); short protein forms I297L.
Identifiers: ClinVar variation 427053 (VCV000427053.5), dbSNP rs1085307926, ClinGen allele CA381703044.